The following is an entry in ClinVar:

ClinVar aggregate classification (germline): Uncertain significance. Review status: criteria provided, multiple submitters, no conflicts (2 of 4 stars). 2 submissions from 2 submitters: Uncertain significance (2). Last evaluated 2026-04-10.

Conditions:
Hereditary cancer-predisposing syndrome. Also called: Neoplastic Syndromes, Hereditary; Tumor predisposition; Hereditary Cancer Syndrome; Hereditary neoplastic syndrome. Identifiers: Orphanet 140162, MedGen C0027672, MeSH D009386, MONDO:0015356.
Parathyroid carcinoma (PRTC). Also called: CDC73-Related Parathyroid Carcinoma; Parathyroid gland carcinoma. Identifiers: Orphanet 143, MedGen C0687150, MONDO:0012004, OMIM 608266, HP:0006780.

Allele frequency attached by ClinVar (database versions not stated): gnomAD exomes below 0.00001.

Submissions (2):

Ambry Genetics
Classification: Uncertain significance for Hereditary cancer-predisposing syndrome. Last evaluated: 2026-04-10. Review status: criteria provided, single submitter. Criteria: Ambry Variant Classification Scheme 2023. Collection method: clinical testing. Allele origin: germline.
Comment: The p.I13M variant (also known as c.39C>G), located in coding exon 1 of the CDC73 gene, results from a C to G substitution at nucleotide position 39. The isoleucine at codon 13 is replaced by methionine, an amino acid with highly similar properties. This amino acid position is conserved. In addition, this alteration is predicted to be tolerated by in silico analysis. Based on the available evidence, the clinical significance of this variant remains unclear.

Labcorp Genetics (formerly Invitae), Labcorp
Classification: Uncertain significance for Parathyroid carcinoma. Last evaluated: 2023-07-17. Review status: criteria provided, single submitter. Criteria: Invitae Variant Classification Sherloc (09022015). Collection method: clinical testing. Allele origin: germline.
Comment: This sequence change replaces isoleucine, which is neutral and non-polar, with methionine, which is neutral and non-polar, at codon 13 of the CDC73 protein (p.Ile13Met). This variant is not present in population databases (gnomAD no frequency). This variant has not been reported in the literature in individuals affected with CDC73-related conditions. ClinVar contains an entry for this variant (Variation ID: 2040186). Advanced modeling of protein sequence and biophysical properties (such as structural, functional, and spatial information, amino acid conservation, physicochemical variation, residue mobility, and thermodynamic stability) performed at Invitae indicates that this missense variant is not expected to disrupt CDC73 protein function. In summary, the available evidence is currently insufficient to determine the role of this variant in disease. Therefore, it has been classified as a Variant of Uncertain Significance.

NM_024529.5(CDC73):c.39C>G (p.Ile13Met)

Gene: CDC73 (cell division cycle 73; plus strand). Cytogenetic location: 1q31.2.
Variant type: single nucleotide variant.
Coding change: c.39C>G on transcript NM_024529.5 (MANE Select); coding-DNA position 39, C replaced by G.
Protein change: p.Ile13Met; replaces isoleucine 13 with methionine.
Molecular consequence: missense variant.
Genome position (GRCh38, 1-based): chr1:193,122,239, C>G. VCF-style: chr1-193122239-C-G. GRCh37 (hg19) VCF-style: chr1-193091369-C-G.
Other names: short protein forms I13M.
Identifiers: ClinVar variation 2040186 (VCV002040186.5), dbSNP rs2103111637, ClinGen allele CA343972804.